The following is an entry in ClinVar:

ClinVar aggregate classification (germline): Uncertain significance. Review status: criteria provided, multiple submitters, no conflicts (2 of 4 stars). 2 submissions from 2 submitters: Uncertain significance (2). Last evaluated 2022-07-14.

Allele frequency attached by ClinVar (database versions not stated): gnomAD 0.00001; TOPMed 0.00002; ExAC 0.00003; gnomAD exomes 0.00003.
gnomAD v4.1: 43 of 1,610,876 alleles (0.0027%); highest among the groups gnomAD compares: East Asian, 0.053%; no homozygotes.

Submissions (2):

GeneDx
Classification: Uncertain significance. Last evaluated: 2022-07-14. Review status: criteria provided, single submitter. Criteria: GeneDx Variant Classification Process June 2021. Collection method: clinical testing. Allele origin: germline. Affected: yes.
Comment: In silico analysis supports that this missense variant has a deleterious effect on protein structure/function; Has not been previously published as pathogenic or benign to our knowledge

Blueprint Genetics
Classification: Uncertain significance. Last evaluated: 2020-12-13. Review status: criteria provided, single submitter. Criteria: ACMG Guidelines, 2015. Collection method: clinical testing. Allele origin: germline.

NM_001270974.2(HYDIN):c.12121A>G (p.Lys4041Glu)

Gene: HYDIN (HYDIN axonemal central pair apparatus protein; minus strand). Cytogenetic location: 16q22.2.
Variant type: single nucleotide variant.
Coding change: c.12121A>G on transcript NM_001270974.2 (MANE Select); coding-DNA position 12121, A replaced by G.
Protein change: p.Lys4041Glu; replaces lysine 4041 with glutamic acid.
Molecular consequence: missense variant.
Genome position (GRCh38, 1-based): chr16:70,860,076, T>C on the plus strand (A>G on the coding strand, the complement: HYDIN is on the minus strand). VCF-style: chr16-70860076-T-C. GRCh37 (hg19) VCF-style: chr16-70893979-T-C.
Other names: short protein forms K4041E.
Identifiers: ClinVar variation 1878992 (VCV001878992.2), dbSNP rs775199565, ClinGen allele CA8148887.